The following is an entry in ClinVar:

NM_000093.5(COL5A1):c.268C>G (p.Leu90Val)

Gene: COL5A1 (collagen type V alpha 1 chain; plus strand). Cytogenetic location: 9q34.3.
Variant type: single nucleotide variant.
Coding change: c.268C>G on transcript NM_000093.5 (MANE Select); coding-DNA position 268, C replaced by G.
Protein change: p.Leu90Val; replaces leucine 90 with valine.
Molecular consequence: missense variant.
Genome position (GRCh38, 1-based): chr9:134,691,070, C>G. VCF-style: chr9-134691070-C-G. GRCh37 (hg19) VCF-style: chr9-137582916-C-G.
Other names: c.268C>G, p.Leu90Val (NM_001278074.1); short protein forms L90V.
Identifiers: ClinVar variation 3635955 (VCV003635955.2).
Genomic context (GRCh38, chr9:134,691,070, plus strand): 5'-GGCCCGGATGTCGCTTACAGAGTCACCAAAGACGCGCAGCTCAGCGCACCCACCAAGCAG[C>G]TGTACCCTGGTAAGTGCCGCACCCTTCTGTTTGGGGCGGTGGGTCCCGTTGGCCCTCTGG-3'
Protein context (NP_000084.3, residues 80-100): DAQLSAPTKQ[Leu90Val]YPASAFPEDF

ClinVar aggregate classification (germline): Uncertain significance (1 of 4 stars; one submission).

Conditions:
Ehlers-Danlos syndrome, classic type, 1 (EDSCL1). Also called: EHLERS-DANLOS SYNDROME, GRAVIS TYPE; EHLERS-DANLOS SYNDROME, SEVERE CLASSIC TYPE; Ehlers-Danlos syndrome, type 1; Ehlers-Danlos Syndrome, Classic Type, COL5A1-Related; EDS I. Identifiers: MedGen C0268335, MONDO:0019567, OMIM 130000.

Submission:

Labcorp Genetics (formerly Invitae), Labcorp
Classification: Uncertain significance for Ehlers-Danlos syndrome, classic type, 1. Last evaluated: 2024-06-03. Review status: criteria provided, single submitter. Criteria: Invitae Variant Classification Sherloc (09022015). Collection method: clinical testing. Allele origin: germline.
Comment: This sequence change replaces leucine, which is neutral and non-polar, with valine, which is neutral and non-polar, at codon 90 of the COL5A1 protein (p.Leu90Val). This variant is not present in population databases (gnomAD no frequency). This variant has not been reported in the literature in individuals affected with COL5A1-related conditions. Advanced modeling of protein sequence and biophysical properties (such as structural, functional, and spatial information, amino acid conservation, physicochemical variation, residue mobility, and thermodynamic stability) performed at Invitae indicates that this missense variant is not expected to disrupt COL5A1 protein function with a negative predictive value of 95%. In summary, the available evidence is currently insufficient to determine the role of this variant in disease. Therefore, it has been classified as a Variant of Uncertain Significance.